The following is an entry in ClinVar:

NM_025114.4(CEP290):c.6671G>A (p.Arg2224Gln)

Gene: CEP290 (centrosomal protein 290; minus strand). Cytogenetic location: 12q21.32.
Variant type: single nucleotide variant.
Coding change: c.6671G>A on transcript NM_025114.4 (MANE Select); coding-DNA position 6671, G replaced by A.
Protein change: p.Arg2224Gln; replaces arginine 2224 with glutamine.
Molecular consequence: missense variant.
Genome position (GRCh38, 1-based): chr12:88,058,995, C>T on the plus strand (G>A on the coding strand, the complement: CEP290 is on the minus strand). VCF-style: chr12-88058995-C-T. GRCh37 (hg19) VCF-style: chr12-88452772-C-T.
Other names: short protein forms R2224Q.
Identifiers: ClinVar variation 967225 (VCV000967225.6), dbSNP rs1214939378, ClinGen allele CA385977789.

ClinVar aggregate classification (germline): Uncertain significance. Review status: criteria provided, multiple submitters, no conflicts (2 of 4 stars). 3 submissions from 3 submitters: Uncertain significance (2). 1 of the submissions does not count toward it. Last evaluated 2025-03-29.

Conditions:
CEP290-related disorder. Also called: CEP290-related condition; CEP290-related disorders. Identifiers: MedGen CN239314.
Leber congenital amaurosis (LCA). Also called: Leber's amaurosis. Identifiers: Orphanet 65, MedGen C0339527, MeSH D057130, MONDO:0018998.
Nephronophthisis. Also called: Juvenile Nephronophthisis. Identifiers: Orphanet 655, MedGen C0687120, MONDO:0019005, HP:0000090.
Meckel-Gruber syndrome. Also called: GRUBER SYNDROME; Dysencephalia splachnocystica; DYSENCEPHALIA SPLANCHNOCYSTICA. Identifiers: Orphanet 564, MedGen C0265215, MONDO:0018921.
Joubert syndrome. Also called: Familial aplasia of the vermis; JOUBERT-BOLTSHAUSER SYNDROME. Identifiers: Orphanet 475, MedGen C5979921, MONDO:0018772.

Allele frequency attached by ClinVar (database versions not stated): gnomAD exomes below 0.00001 and 0.00002; gnomAD 0.00001; TOPMed 0.00001; 1000 Genomes Project 30x 0.00016.
gnomAD v4.1: 33 of 1,611,228 alleles (0.002%); highest among the groups gnomAD compares: East Asian, 0.027%; no homozygotes.

Submissions (3):

PreventionGenetics, part of Exact Sciences
Classification: Uncertain significance for CEP290-related condition. Last evaluated: 2025-03-29. Review status: criteria provided, single submitter. Criteria: ACMG Guidelines, 2015. Collection method: clinical testing. Allele origin: germline.
Comment: The CEP290 c.6671G>A variant is predicted to result in the amino acid substitution p.Arg2224Gln. To our knowledge, this variant has not been reported in the literature. This variant is reported in 0.0056% of alleles in individuals of East Asian descent in gnomAD. At this time, the clinical significance of this variant is uncertain due to the absence of conclusive functional and genetic evidence.

Labcorp Genetics (formerly Invitae), Labcorp
Classification: Uncertain significance for Joubert syndrome; Meckel-Gruber syndrome; Nephronophthisis. Last evaluated: 2022-08-16. Review status: criteria provided, single submitter. Criteria: Invitae Variant Classification Sherloc (09022015). Collection method: clinical testing. Allele origin: germline.
Comment: This sequence change replaces arginine, which is basic and polar, with glutamine, which is neutral and polar, at codon 2224 of the CEP290 protein (p.Arg2224Gln). This variant is present in population databases (no rsID available, gnomAD 0.006%). This variant has not been reported in the literature in individuals affected with CEP290-related conditions. ClinVar contains an entry for this variant (Variation ID: 967225). Algorithms developed to predict the effect of missense changes on protein structure and function are either unavailable or do not agree on the potential impact of this missense change (SIFT: "Tolerated"; PolyPhen-2: "Probably Damaging"; Align-GVGD: "Class C0"). Algorithms developed to predict the effect of sequence changes on RNA splicing suggest that this variant may disrupt the consensus splice site. In summary, the available evidence is currently insufficient to determine the role of this variant in disease. Therefore, it has been classified as a Variant of Uncertain Significance.

Natera, Inc.
Classification: Uncertain significance for Leber congenital amaurosis. Last evaluated: 2020-04-03. Review status: no assertion criteria provided. Collection method: clinical testing. Allele origin: germline. Not counted in ClinVar's aggregate classification.